The following is an entry in ClinVar:

NM_006904.7(PRKDC):c.1669A>G (p.Ser557Gly)

Gene: PRKDC (protein kinase, DNA-activated, catalytic subunit; minus strand). Cytogenetic location: 8q11.21.
Variant type: single nucleotide variant.
Coding change: c.1669A>G on transcript NM_006904.7 (MANE Select); coding-DNA position 1669, A replaced by G.
Protein change: p.Ser557Gly; replaces serine 557 with glycine.
Molecular consequence: missense variant.
Genome position (GRCh38, 1-based): chr8:47,933,127, T>C on the plus strand (A>G on the coding strand, the complement: PRKDC is on the minus strand). VCF-style: chr8-47933127-T-C. GRCh37 (hg19) VCF-style: chr8-48845687-T-C.
Other names: c.1669A>G, p.Ser557Gly (NM_001081640.2); short protein forms S557G.
Identifiers: ClinVar variation 2449845 (VCV002449845.2), dbSNP rs2551879039, ClinGen allele CA371165129.

ClinVar aggregate classification (germline): Uncertain significance (1 of 4 stars; one submission).

Allele frequency attached by ClinVar (database versions not stated): gnomAD exomes below 0.00001.
gnomAD v4.1: 1 of 1,561,736 alleles (0.000064%); highest among the groups gnomAD compares: East Asian, 0.0023%; no homozygotes.

Submission:

Ambry Genetics
Classification: Uncertain significance. Last evaluated: 2022-12-21. Review status: criteria provided, single submitter. Criteria: Ambry Variant Classification Scheme 2023. Collection method: clinical testing. Allele origin: germline.
Comment: The p.S557G variant (also known as c.1669A>G), located in coding exon 16 of the PRKDC gene, results from an A to G substitution at nucleotide position 1669. The serine at codon 557 is replaced by glycine, an amino acid with similar properties. This amino acid position is conserved. In addition, this alteration is predicted to be tolerated by in silico analysis. Since supporting evidence is limited at this time, the clinical significance of this alteration remains unclear.